The following is an entry in ClinVar:

ClinVar aggregate classification (germline): Pathogenic (1 of 4 stars; one submission).

Submission:

Labcorp Genetics (formerly Invitae), Labcorp
Classification: Pathogenic. Last evaluated: 2020-08-16. Review status: criteria provided, single submitter. Criteria: Invitae Variant Classification Sherloc (09022015). Collection method: clinical testing. Allele origin: germline.
Comment: This sequence change creates a premature translational stop signal (p.Gln332*) in the COL4A5 gene. It is expected to result in an absent or disrupted protein product. This variant is not present in population databases (ExAC no frequency). This variant has not been reported in the literature in individuals with COL4A5-related conditions. Loss-of-function variants in COL4A5 are known to be pathogenic (PMID: 9195222, 10752524, 14514738, 24854265, 26809805). For these reasons, this variant has been classified as Pathogenic.

Literature cited by the submitters: PubMed 9195222; PubMed 10752524; PubMed 14514738; PubMed 24854265; PubMed 26809805.

NM_033380.3(COL4A5):c.994C>T (p.Gln332Ter)

Gene: COL4A5 (collagen type IV alpha 5 chain; plus strand). Cytogenetic location: Xq22.3.
Variant type: single nucleotide variant.
Coding change: c.994C>T on transcript NM_033380.3 (MANE Select); coding-DNA position 994, C replaced by T.
Protein change: p.Gln332Ter; replaces glutamine 332 with a stop codon.
Molecular consequence: nonsense.
Genome position (GRCh38, 1-based): chrX:108,584,487, C>T. VCF-style: chrX-108584487-C-T. GRCh37 (hg19) VCF-style: chrX-107827717-C-T.
Other names: c.994C>T, p.Gln332Ter (NM_000495.5); short protein forms Q332*.
Identifiers: ClinVar variation 1070457 (VCV001070457.7), dbSNP rs2147784271, ClinGen allele CA413928850.